The following is an entry in ClinVar:

ClinVar aggregate classification (germline): Uncertain significance. Review status: criteria provided, multiple submitters, no conflicts (2 of 4 stars). 5 submissions from 5 submitters: Uncertain significance (5). Last evaluated 2026-09-02.

Conditions:
MYO3A-related disorder. Also called: MYO3A-related condition.

Allele frequency attached by ClinVar (database versions not stated): gnomAD exomes 0.00003 and 0.00004; ESP Exome Variant Server 0.00008; gnomAD 0.00004 and 0.00003; ExAC 0.00005; TOPMed 0.00006.
gnomAD v4.1: 52 of 1,613,768 alleles (0.0032%); highest among the groups gnomAD compares: Non-Finnish European, 0.0042%; no homozygotes.

Submissions (5):

PreventionGenetics, part of Exact Sciences
Classification: Uncertain significance for MYO3A-related condition. Last evaluated: 2026-09-02. Review status: criteria provided, single submitter. Criteria: ACMG Guidelines, 2015. Collection method: clinical testing. Allele origin: germline.
Comment: The MYO3A c.3086A>G variant is predicted to result in the amino acid substitution p.Asp1029Gly. To our knowledge, this variant has not been reported in the literature. This variant is reported in 0.0070% of alleles in individuals of European (Non-Finnish) descent in gnomAD. At this time, the clinical significance of this variant is uncertain due to the absence of conclusive functional and genetic evidence.

GeneDx
Classification: Uncertain significance. Last evaluated: 2026-04-10. Review status: criteria provided, single submitter. Criteria: GeneDx Variant Classification Process June 2021. Collection method: clinical testing. Allele origin: germline.
Comment: In silico analysis supports that this missense variant has a deleterious effect on protein structure/function; In silico analysis supports a deleterious effect on splicing; Has not been previously published as pathogenic or benign to our knowledge

Labcorp Genetics (formerly Invitae), Labcorp
Classification: Uncertain significance. Last evaluated: 2025-04-08. Review status: criteria provided, single submitter. Criteria: Invitae Variant Classification Sherloc (09022015). Collection method: clinical testing. Allele origin: germline.
Comment: This sequence change replaces aspartic acid, which is acidic and polar, with glycine, which is neutral and non-polar, at codon 1029 of the MYO3A protein (p.Asp1029Gly). This variant is present in population databases (rs374226960, gnomAD 0.006%). This variant has not been reported in the literature in individuals affected with MYO3A-related conditions. ClinVar contains an entry for this variant (Variation ID: 179490). Invitae Evidence Modeling of protein sequence and biophysical properties (such as structural, functional, and spatial information, amino acid conservation, physicochemical variation, residue mobility, and thermodynamic stability) indicates that this missense variant is not expected to disrupt MYO3A protein function with a negative predictive value of 80%. Algorithms developed to predict the effect of sequence changes on RNA splicing suggest that this variant may disrupt the consensus splice site. In summary, the available evidence is currently insufficient to determine the role of this variant in disease. Therefore, it has been classified as a Variant of Uncertain Significance.

Blueprint Genetics
Classification: Uncertain significance. Last evaluated: 2021-10-18. Review status: criteria provided, single submitter. Criteria: ACMG Guidelines, 2015. Collection method: clinical testing. Allele origin: germline.

Laboratory for Molecular Medicine, Mass General Brigham Personalized Medicine
Classification: Uncertain significance. Last evaluated: 2013-12-19. Review status: criteria provided, single submitter. Criteria: LMM Criteria. Collection method: clinical testing. Allele origin: germline. Observed: 1 variant allele.
Comment: The Asp1029Gly variant in MYO3A has not been previously reported in individuals with hearing loss, but has been identified in 1/8600 European American chromosom es by the NHLBI Exome Sequencing Project. Comput ational analyses (biochemical amino acid properties, conservation, AlignGVGD, Po lyPhen-2, and SIFT) do not provide strong support for or against an impact to th e protein. This variant may potentially introduce a cryptic 5' splice site, and computational tools suggest an impact to splicing. However, this information is not predictive enough to determine pathogenicity. In summary, additional inform ation is needed to fully assess the clinical significance of this variant.

NM_017433.5(MYO3A):c.3086A>G (p.Asp1029Gly)

Gene: MYO3A (myosin IIIA; plus strand). Cytogenetic location: 10p12.1.
Variant type: single nucleotide variant.
Coding change: c.3086A>G on transcript NM_017433.5 (MANE Select); coding-DNA position 3086, A replaced by G.
Protein change: p.Asp1029Gly; replaces aspartic acid 1029 with glycine.
Molecular consequence: missense variant.
Genome position (GRCh38, 1-based): chr10:26,166,153, A>G. VCF-style: chr10-26166153-A-G. GRCh37 (hg19) VCF-style: chr10-26455082-A-G.
Other names: short protein forms D1029G.
Identifiers: ClinVar variation 179490 (VCV000179490.11), dbSNP rs374226960, ClinGen allele CA184529.